The following is an entry in ClinVar:

NM_032119.4(ADGRV1):c.206C>T (p.Ser69Leu)

Gene: ADGRV1 (adhesion G protein-coupled receptor V1; plus strand). Cytogenetic location: 5q14.3.
Variant type: single nucleotide variant.
Coding change: c.206C>T on transcript NM_032119.4 (MANE Select); coding-DNA position 206, C replaced by T.
Protein change: p.Ser69Leu; replaces serine 69 with leucine.
Molecular consequence: missense variant. On other transcripts: non-coding transcript variant (1).
Genome position (GRCh38, 1-based): chr5:90,615,018, C>T. VCF-style: chr5-90615018-C-T. GRCh37 (hg19) VCF-style: chr5-89910835-C-T.
Other names: c.206C>T (NM_032119.3); short protein forms S69L.
Identifiers: ClinVar variation 2162184 (VCV002162184.2), dbSNP rs759248697, ClinGen allele CA3338401.

ClinVar aggregate classification (germline): Uncertain significance. Review status: criteria provided, multiple submitters, no conflicts (2 of 4 stars). 2 submissions from 2 submitters: Uncertain significance (2). Last evaluated 2025-08-29.

Conditions:
Inborn genetic diseases. Identifiers: MedGen C0950123, MeSH D030342.

Allele frequency attached by ClinVar (database versions not stated): gnomAD 0.00001.
gnomAD v4.1: 6 of 1,406,102 alleles (0.00043%); highest among the groups gnomAD compares: South Asian, 0.0035%; no homozygotes.

Submissions (2):

Ambry Genetics
Classification: Uncertain significance for Inborn genetic diseases. Last evaluated: 2025-08-29. Review status: criteria provided, single submitter. Criteria: Ambry Variant Classification Scheme 2023. Collection method: clinical testing. Allele origin: germline.

Labcorp Genetics (formerly Invitae), Labcorp
Classification: Uncertain significance. Last evaluated: 2022-06-22. Review status: criteria provided, single submitter. Criteria: Invitae Variant Classification Sherloc (09022015). Collection method: clinical testing. Allele origin: germline.
Comment: This sequence change replaces serine, which is neutral and polar, with leucine, which is neutral and non-polar, at codon 69 of the ADGRV1 protein (p.Ser69Leu). The frequency data for this variant in the population databases is considered unreliable, as metrics indicate poor data quality at this position in the gnomAD database. This variant has not been reported in the literature in individuals affected with ADGRV1-related conditions. Algorithms developed to predict the effect of missense changes on protein structure and function are either unavailable or do not agree on the potential impact of this missense change (SIFT: "Tolerated"; PolyPhen-2: "Possibly Damaging"; Align-GVGD: "Class C0"). Algorithms developed to predict the effect of sequence changes on RNA splicing suggest that this variant may disrupt the consensus splice site. In summary, the available evidence is currently insufficient to determine the role of this variant in disease. Therefore, it has been classified as a Variant of Uncertain Significance.